The following is an entry in ClinVar:

ClinVar aggregate classification (germline): Benign. Review status: criteria provided, multiple submitters, no conflicts (2 of 4 stars). 3 submissions from 3 submitters: Benign (3). Last evaluated 2025-12-07.

Conditions:
SEMA7A-related disorder. Also called: SEMA7A-related condition.

Allele frequency attached by ClinVar (database versions not stated): gnomAD exomes 0.00294 and 0.00788; ExAC 0.00945; 1000 Genomes Project 0.02796; 1000 Genomes Project 30x 0.02842; gnomAD 0.03003 and 0.03245; TOPMed 0.03381; ESP Exome Variant Server 0.03535.
gnomAD v4.1: 9,058 of 1,611,406 alleles (0.56%); highest among the groups gnomAD compares: African/African-American, 10%; 419 homozygotes.

Submissions (3):

PreventionGenetics, part of Exact Sciences
Classification: Benign for SEMA7A-related condition. Last evaluated: 2025-12-07. Review status: criteria provided, single submitter. Criteria: ACMG Guidelines, 2015. Collection method: clinical testing. Allele origin: germline.
Comment: This variant is classified as benign based on ACMG/AMP sequence variant interpretation guidelines (Richards et al. 2015 PMID: 25741868, with internal and published modifications).

Labcorp Genetics (formerly Invitae), Labcorp
Classification: Benign. Last evaluated: 2018-04-30. Review status: criteria provided, single submitter. Criteria: Invitae Variant Classification Sherloc (09022015). Collection method: clinical testing. Allele origin: germline.

Breakthrough Genomics
Classification: Benign. Review status: criteria provided, single submitter. Criteria: ACMG Guidelines, 2015. Collection method: not provided. Allele origin: germline. Inheritance: Autosomal recessive inheritance. Affected: yes.

NM_003612.5(SEMA7A):c.343T>A (p.Ser115Thr)

Gene: SEMA7A (semaphorin 7A (JohnMiltonHagen blood group); minus strand). Cytogenetic location: 15q24.1.
Variant type: single nucleotide variant.
Coding change: c.343T>A on transcript NM_003612.5 (MANE Select); coding-DNA position 343, T replaced by A.
Protein change: p.Ser115Thr; replaces serine 115 with threonine.
Molecular consequence: missense variant. On other transcripts: 5 prime UTR variant (1), intron variant (1).
Genome position (GRCh38, 1-based): chr15:74,418,297, A>T on the plus strand (T>A on the coding strand, the complement: SEMA7A is on the minus strand). VCF-style: chr15-74418297-A-T. GRCh37 (hg19) VCF-style: chr15-74710638-A-T.
Other names: c.-153T>A (NM_001146030.3); c.331-328T>A (NM_001146029.3); short protein forms S115T.
Identifiers: ClinVar variation 781176 (VCV000781176.5), dbSNP rs16968733, ClinGen allele CA7657297.